The following is an entry in ClinVar:

NM_020779.4(WDR35):c.570+2T>G

Gene: WDR35 (WD repeat domain 35; minus strand). Cytogenetic location: 2p24.1.
Variant type: single nucleotide variant.
Coding change: c.570+2T>G on transcript NM_020779.4 (MANE Select); the canonical splice donor site of the intron after coding-DNA position 570, T replaced by G.
Molecular consequence: splice donor variant.
Genome position (GRCh38, 1-based): chr2:19,975,528, A>C on the plus strand (T>G on the coding strand, the complement: WDR35 is on the minus strand). VCF-style: chr2-19975528-A-C. GRCh37 (hg19) VCF-style: chr2-20175289-A-C.
Other names: c.570+2T>G (NM_001006657.2).
Identifiers: ClinVar variation 2139899 (VCV002139899.4), dbSNP rs2527956878, ClinGen allele CA345947435.

ClinVar aggregate classification (germline): Likely pathogenic (1 of 4 stars; one submission).

Conditions:
Cranioectodermal dysplasia 2 (CED2). Identifiers: Orphanet 1515, MedGen C3150874, MONDO:0013323, OMIM 613610.
Short-rib thoracic dysplasia 7 with or without polydactyly (SRTD7). Also called: Short rib polydactyly syndrome 5; SHORT-RIB THORACIC DYSPLASIA 7 WITH POLYDACTYLY. Identifiers: Orphanet 498497, Orphanet 93271, MedGen C3279792, MONDO:0013569, OMIM 614091.

Submission:

Labcorp Genetics (formerly Invitae), Labcorp
Classification: Likely pathogenic for Cranioectodermal dysplasia 2; Short-rib thoracic dysplasia 7 with or without polydactyly. Last evaluated: 2023-08-04. Review status: criteria provided, single submitter. Criteria: Invitae Variant Classification Sherloc (09022015). Collection method: clinical testing. Allele origin: germline.
Comment: In summary, the currently available evidence indicates that the variant is pathogenic, but additional data are needed to prove that conclusively. Therefore, this variant has been classified as Likely Pathogenic. Algorithms developed to predict the effect of sequence changes on RNA splicing suggest that this variant may disrupt the consensus splice site. ClinVar contains an entry for this variant (Variation ID: 2139899). This variant has not been reported in the literature in individuals affected with WDR35-related conditions. This variant is not present in population databases (gnomAD no frequency). This sequence change affects a donor splice site in intron 6 of the WDR35 gene. It is expected to disrupt RNA splicing. Variants that disrupt the donor or acceptor splice site typically lead to a loss of protein function (PMID: 16199547), and loss-of-function variants in WDR35 are known to be pathogenic (PMID: 22486404, 29068549).

Literature cited by the submitters: PubMed 16199547; PubMed 22486404; PubMed 29068549.